The following is an entry in ClinVar:

ClinVar aggregate classification (germline): Pathogenic (1 of 4 stars; one submission).

Submission:

Labcorp Genetics (formerly Invitae), Labcorp
Classification: Pathogenic. Last evaluated: 2025-05-21. Review status: criteria provided, single submitter. Criteria: Invitae Variant Classification Sherloc (09022015). Collection method: clinical testing. Allele origin: germline.
Comment: This sequence change creates a premature translational stop signal (p.Gln637Argfs*3) in the ALPK3 gene. It is expected to result in an absent or disrupted protein product. Loss-of-function variants in ALPK3 are known to be pathogenic (PMID: 21441111, 26846950, 27106955, 34263907). This variant is not present in population databases (gnomAD no frequency). This premature translational stop signal has been observed in individual(s) with hypertrophic cardiomyopathy (PMID: 38356193). For these reasons, this variant has been classified as Pathogenic.

Literature cited by the submitters: PubMed 21441111; PubMed 26846950; PubMed 27106955; PubMed 34263907; PubMed 38356193.

NM_020778.5(ALPK3):c.1303del (p.Gln435fs)

Gene: ALPK3 (alpha kinase 3; plus strand). Cytogenetic location: 15q25.3.
Variant type: Deletion.
Coding change: c.1303del on transcript NM_020778.5 (MANE Select); coding-DNA position 1303, one base deleted (C; older notation c.1303delC).
Protein change: p.Gln435fs; shifts the reading frame from glutamine 435.
Molecular consequence: frameshift variant.
Genome position (GRCh38, 1-based): chr15:84,840,582, C deleted; the last of 4 consecutive C bases (chr15:84,840,579-84,840,582); deleting any one gives the same sequence. VCF-style (leftmost placement, unchanged base first): chr15-84840578-AC-A. GRCh37 (hg19) VCF-style: chr15-85383809-AC-A.
Other names: short protein forms Q435fs.
Identifiers: ClinVar variation 4776837 (VCV004776837.1).